The following is an entry in ClinVar:

ClinVar aggregate classification (germline): Uncertain significance (1 of 4 stars; one submission).

Allele frequency attached by ClinVar (database versions not stated): gnomAD exomes below 0.00001.
gnomAD v4.1: 1 of 1,614,154 alleles (0.000062%); highest among the groups gnomAD compares: Admixed American, 0.0017%; no homozygotes.

Submission:

GeneDx
Classification: Uncertain significance. Last evaluated: 2020-06-25. Review status: criteria provided, single submitter. Criteria: GeneDx Variant Classification Process June 2021. Collection method: clinical testing. Allele origin: germline. Affected: yes.
Comment: Not observed in large population cohorts (Lek et al., 2016); Missense variants in this gene are often considered pathogenic (Stenson et al., 2014); In silico analysis supports that this missense variant has a deleterious effect on protein structure/function; Has not been previously published as pathogenic or benign to our knowledge

NM_001005361.3(DNM2):c.956C>T (p.Pro319Leu)

Gene: DNM2 (dynamin 2; plus strand). Cytogenetic location: 19p13.2.
Variant type: single nucleotide variant.
Coding change: c.956C>T on transcript NM_001005361.3 (MANE Select); coding-DNA position 956, C replaced by T.
Protein change: p.Pro319Leu; replaces proline 319 with leucine.
Molecular consequence: missense variant.
Genome position (GRCh38, 1-based): chr19:10,786,670, C>T. VCF-style: chr19-10786670-C-T. GRCh37 (hg19) VCF-style: chr19-10897346-C-T.
Other names: c.956C>T, p.Pro319Leu (NM_001005360.3, NM_001005362.3, NM_001190716.2 and 1 more transcripts); short protein forms P319L.
Identifiers: ClinVar variation 1312871 (VCV001312871.2), dbSNP rs2145978158, ClinGen allele CA404046412.
Genomic context (GRCh38, chr19:10,786,670, plus strand): 5'-AACTACAGAGCCAGCTGCTGTCCCTGGAGAAGGAGGTGGAGGAGTACAAGAACTTTCGGC[C>T]CGACGACCCCACCCGCAAAACCAAAGCCCTGCTGCAGTATGTACCCCGGCACCCACCACC-3'
Protein context (NP_001005361.1, residues 309-329): KEVEEYKNFR[Pro319Leu]DDPTRKTKAL